The following is an entry in ClinVar:

NM_032043.3(BRIP1):c.2098-11235C>G

Gene: BRIP1 (BRCA1 interacting DNA helicase 1; minus strand). Cytogenetic location: 17q23.2.
Variant type: single nucleotide variant.
Coding change: c.2098-11235C>G on transcript NM_032043.3 (MANE Select); 11235 bases into the intron before coding-DNA position 2098, C replaced by G.
Molecular consequence: intron variant.
Genome position (GRCh38, 1-based): chr17:61,755,826, G>C on the plus strand (C>G on the coding strand, the complement: BRIP1 is on the minus strand). VCF-style: chr17-61755826-G-C. GRCh37 (hg19) VCF-style: chr17-59833187-G-C.
Identifiers: ClinVar variation 3261834 (VCV003261834.2).

ClinVar aggregate classification (germline): Uncertain significance (1 of 4 stars; one submission).

Conditions:
Hereditary cancer-predisposing syndrome. Also called: Hereditary Cancer Syndrome; Tumor predisposition; Hereditary neoplastic syndrome; Neoplastic Syndromes, Hereditary. Identifiers: Orphanet 140162, MedGen C0027672, MeSH D009386, MONDO:0015356.

gnomAD v4.1: 1 of 152,156 alleles (0.00066%); highest among the groups gnomAD compares: Non-Finnish European, 0.0015%; no homozygotes.

Submission:

Ambry Genetics
Classification: Uncertain significance for Hereditary cancer-predisposing syndrome. Last evaluated: 2025-08-04. Review status: criteria provided, single submitter. Criteria: Ambry Variant Classification Scheme 2023. Collection method: clinical testing. Allele origin: germline.
Comment: The c.2098-11235C>G intronic variant results from a C to G substitution 11235 nucleotides upstream from coding exon 14 in the BRIP1 gene. This nucleotide position is well conserved in available vertebrate species. In silico splice site analysis predicts that this alteration will result in the creation or strengthening of a novel splice donor site; however, direct evidence is insufficient at this time (Ambry internal data). Based on the available evidence, the clinical significance of this variant remains unclear.